The following is an entry in ClinVar:

ClinVar aggregate classification (germline): Uncertain significance (1 of 4 stars; one submission).

Submission:

GeneDx
Classification: Uncertain significance. Last evaluated: 2023-08-29. Review status: criteria provided, single submitter. Criteria: GeneDx Variant Classification Process June 2021. Collection method: clinical testing. Allele origin: germline. Affected: yes.
Comment: Not observed at significant frequency in large population cohorts (gnomAD); In silico analysis supports that this missense variant has a deleterious effect on protein structure/function; Has not been previously published as pathogenic or benign to our knowledge; This variant is associated with the following publications: (PMID: 8906794)

NM_000264.5(PTCH1):c.2414T>A (p.Ile805Lys)

Genes: PTCH1 (patched 1; minus strand), LOC100507346 (uncharacterized LOC100507346; plus strand). Cytogenetic location: 9q22.32.
Variant type: single nucleotide variant.
Coding change: c.2414T>A on transcript NM_000264.5 (MANE Select); coding-DNA position 2414, T replaced by A.
Protein change: p.Ile805Lys; replaces isoleucine 805 with lysine.
Molecular consequence: missense variant.
Genome position (GRCh38, 1-based): chr9:95,467,262, A>T on the plus strand (T>A on the coding strand, the complement: PTCH1 is on the minus strand). VCF-style: chr9-95467262-A-T. GRCh37 (hg19) VCF-style: chr9-98229544-A-T.
Other names: c.2216T>A, p.Ile739Lys (NM_001083602.3); c.2411T>A, p.Ile804Lys (NM_001083603.3); c.1961T>A, p.Ile654Lys (NM_001083604.3, NM_001083605.3, NM_001083606.3 and 1 more transcripts); c.2258T>A, p.Ile753Lys (NM_001354918.2); short protein forms I654K, I739K, I753K, I804K, I805K.
Identifiers: ClinVar variation 2579307 (VCV002579307.1), dbSNP rs1339383116, ClinGen allele CA374114276.